The following is an entry in ClinVar:

ClinVar aggregate classification (germline): Pathogenic. Review status: criteria provided, multiple submitters, no conflicts (2 of 4 stars). 3 submissions from 3 submitters: Pathogenic (3). Last evaluated 2025-05-07.

Conditions:
Tuberous sclerosis 2 (TSC2). Identifiers: Orphanet 805, MedGen C1860707, MONDO:0013199, OMIM 613254.
Hereditary cancer-predisposing syndrome. Also called: Neoplastic Syndromes, Hereditary; Hereditary neoplastic syndrome; Tumor predisposition; Hereditary Cancer Syndrome. Identifiers: Orphanet 140162, MedGen C0027672, MeSH D009386, MONDO:0015356.

Submissions (3):

Labcorp Genetics (formerly Invitae), Labcorp
Classification: Pathogenic for Tuberous sclerosis 2. Last evaluated: 2025-05-07. Review status: criteria provided, single submitter. Criteria: Invitae Variant Classification Sherloc (09022015). Collection method: clinical testing. Allele origin: germline.
Comment: This sequence change creates a premature translational stop signal (p.Gln1525Valfs*3) in the TSC2 gene. It is expected to result in an absent or disrupted protein product. Loss-of-function variants in TSC2 are known to be pathogenic (PMID: 10205261, 17304050). This variant is not present in population databases (gnomAD no frequency). This variant has not been reported in the literature in individuals affected with TSC2-related conditions. ClinVar contains an entry for this variant (Variation ID: 838387). Algorithms developed to predict the effect of sequence changes on RNA splicing suggest that this variant may disrupt the consensus splice site. For these reasons, this variant has been classified as Pathogenic.

Ambry Genetics
Classification: Pathogenic for Hereditary cancer-predisposing syndrome. Last evaluated: 2025-04-18. Review status: criteria provided, single submitter. Criteria: Ambry Variant Classification Scheme 2023. Collection method: clinical testing. Allele origin: germline.
Comment: The c.4573_4574delCA pathogenic mutation, located in coding exon 35 of the TSC2 gene, results from a deletion of two nucleotides at nucleotide positions 4573 to 4574, causing a translational frameshift with a predicted alternate stop codon (p.Q1525Vfs*3). This variant is considered to be rare based on population cohorts in the Genome Aggregation Database (gnomAD). This alteration is expected to result in loss of function by premature protein truncation or nonsense-mediated mRNA decay. As such, this alteration is interpreted as a disease-causing mutation.

Myriad Genetics, Inc.
Classification: Pathogenic for Tuberous sclerosis 2. Last evaluated: 2023-06-27. Review status: criteria provided, single submitter. Criteria: Myriad Autosomal Dominant, Autosomal Recessive and X-Linked Classification Criteria (2023). Collection method: clinical testing. Allele origin: unknown.
Comment: This variant is considered pathogenic. This variant creates a frameshift predicted to result in premature protein truncation.

Literature cited by the submitters: PubMed 10205261 (cited by Labcorp Genetics (formerly Invitae), Labcorp); PubMed 17304050 (cited by Labcorp Genetics (formerly Invitae), Labcorp).

NM_000548.5(TSC2):c.4573_4574del (p.Gln1525fs)

Gene: TSC2 (TSC complex subunit 2; plus strand). Cytogenetic location: 16p13.3.
Variant type: Microsatellite.
Coding change: c.4573_4574del on transcript NM_000548.5 (MANE Select); coding-DNA positions 4573 to 4574, 2 bases deleted (CA; older notation c.4573_4574delCA).
Protein change: p.Gln1525fs; shifts the reading frame from glutamine 1525.
Molecular consequence: frameshift variant.
Genome position (GRCh38, 1-based): chr16:2,085,233-2,085,234, CA deleted; deleting any 2 consecutive bases within chr16:2,085,231-2,085,234 gives the same sequence; the c. name uses the placement nearest the transcript's 3' end. VCF-style (leftmost placement, unchanged base first): chr16-2085230-TCA-T. GRCh37 (hg19) VCF-style: chr16-2135231-TCA-T.
Other names: c.4573_4574delCA (NM_000548.3); c.4405_4406del, p.Gln1469fs (NM_001318832.2); c.4375_4376del, p.Gln1459fs (NM_001363528.2); c.4441_4442del, p.Gln1481fs (NM_001370404.1); c.4444_4445del, p.Gln1482fs (NM_001370405.1, NM_021055.3); c.4372_4373del, p.Gln1458fs (NM_001077183.3); c.4504_4505del, p.Gln1502fs (NM_001114382.3); c.4264_4265del, p.Gln1422fs (NM_001318827.2); and 2 more; short protein forms Q1422fs, Q1502fs, Q1410fs, Q1481fs, Q1482fs, Q1281fs, Q1469fs, Q1525fs.
Identifiers: ClinVar variation 838387 (VCV000838387.10), dbSNP rs2090620654, ClinGen allele CA916081779.
Genomic context (GRCh38, chr16:2,085,230, plus strand): 5'-GGTGGGGCGGCCTCCTGTGGACGGGCGTCTGGGGCTCAGGCAGGGCTCTGTGTGCCACAG[TCA>T]CAGTCCTTTGAGCGGTCGGTGCAGCTCCTCGACCAGATCCCATCATACGACACCCACAAG-3'